The following is an entry in ClinVar:

ClinVar aggregate classification (germline): Uncertain significance. Review status: criteria provided, multiple submitters, no conflicts (2 of 4 stars). 2 submissions from 2 submitters: Uncertain significance (2). Last evaluated 2025-11-24.

Conditions:
Autosomal dominant nonsyndromic hearing loss 56. Also called: Deafness, autosomal dominant 56. Identifiers: Orphanet 90635, MedGen C3810170, MONDO:0014283, OMIM 615629.

gnomAD v4.1: 12 of 1,614,084 alleles (0.00074%); highest among the groups gnomAD compares: South Asian, 0.012%; 1 homozygote.

Submissions (2):

Ambry Genetics
Classification: Uncertain significance. Last evaluated: 2025-11-24. Review status: criteria provided, single submitter. Criteria: Ambry Variant Classification Scheme 2023. Collection method: clinical testing. Allele origin: germline.

Neuberg Centre For Genomic Medicine, NCGM
Classification: Uncertain significance for Autosomal dominant nonsyndromic hearing loss 56. Last evaluated: 2023-05-20. Review status: criteria provided, single submitter. Criteria: ACMG Guidelines, 2015. Collection method: clinical testing. Allele origin: germline. Inheritance: Autosomal dominant inheritance. Affected: yes.
Comment: The observed missense c.3442A>G(p.Ile1148Val) variant in TNC gene has not been reported previously as a pathogenic variant nor as a benign variant, to our knowledge. This variant is reported with the allele frequency of 0.002% in the gnomAD Exomes. The amino acid Ile at position 1148 is changed to a Val changing protein sequence and it might alter its composition and physico-chemical properties. The amino acid change p.Ile1148Val in TNC is predicted as conserved by GERP++ and PhyloP across 100 vertebrates. Computational evidence (Polyphen - Benign, SIFT - Tolerated, and MutationTaster - Disease causing) predicts conflicting evidence on protein structure and function for this variant. For these reasons, this variant has been classified as Uncertain Significance.

NM_002160.4(TNC):c.3442A>G (p.Ile1148Val)

Gene: TNC (tenascin C; minus strand). Cytogenetic location: 9q33.1.
Variant type: single nucleotide variant.
Coding change: c.3442A>G on transcript NM_002160.4 (MANE Select); coding-DNA position 3442, A replaced by G.
Protein change: p.Ile1148Val; replaces isoleucine 1148 with valine.
Molecular consequence: missense variant.
Genome position (GRCh38, 1-based): chr9:115,064,692, T>C on the plus strand (A>G on the coding strand, the complement: TNC is on the minus strand). VCF-style: chr9-115064692-T-C. GRCh37 (hg19) VCF-style: chr9-117826971-T-C.
Other names: c.3442A>G, p.Ile1148Val (NM_001410991.1); c.3442A>G (NM_002160.3); short protein forms I1148V.
Identifiers: ClinVar variation 3366995 (VCV003366995.2).